The following is an entry in ClinVar:

NM_001113491.2(SEPTIN9):c.1337C>T (p.Ala446Val)

Gene: SEPTIN9 (septin 9; plus strand). Cytogenetic location: 17q25.3.
Variant type: single nucleotide variant.
Coding change: c.1337C>T on transcript NM_001113491.2 (MANE Select); coding-DNA position 1337, C replaced by T.
Protein change: p.Ala446Val; replaces alanine 446 with valine.
Molecular consequence: missense variant.
Genome position (GRCh38, 1-based): chr17:77,490,816, C>T. VCF-style: chr17-77490816-C-T. GRCh37 (hg19) VCF-style: chr17-75486898-C-T.
Other names: c.845C>T, p.Ala282Val (NM_001113492.2, NM_001113494.1); c.1316C>T, p.Ala439Val (NM_001113493.2); c.584C>T, p.Ala195Val (NM_001113495.2, NM_001113496.2, NM_001293697.2 and 1 more transcripts); c.1280C>T, p.Ala427Val (NM_001293695.2); c.665C>T, p.Ala222Val (NM_001293696.2); c.1283C>T, p.Ala428Val (NM_006640.5); short protein forms A195V, A222V, A282V, A427V, A428V, A439V, A446V.
Identifiers: ClinVar variation 1682661 (VCV001682661.7), dbSNP rs760752419, ClinGen allele CA8793763.
Genomic context (GRCh38, chr17:77,490,816, plus strand): 5'-ACATCGAGTTTATGAAACGCCTGAGCAAGGTGGTCAACATCGTCCCTGTCATCGCCAAGG[C>T]GGACACACTCACCCTGGAGGAGAGGGTCCACTTCAAACAGCGGGTAGGGTTCCATCTCTA-3'
Protein context (NP_001106963.1, residues 436-456): VVNIVPVIAK[Ala446Val]DTLTLEERVH

ClinVar aggregate classification (germline): Uncertain significance (1 of 4 stars; one submission).

Allele frequency attached by ClinVar (database versions not stated): ExAC 0.00002; gnomAD exomes below 0.00001; TOPMed below 0.00001.
gnomAD v4.1: 3 of 1,594,512 alleles (0.00019%); highest among the groups gnomAD compares: South Asian, 0.0011%; no homozygotes.

Submission:

Labcorp Genetics (formerly Invitae), Labcorp
Classification: Uncertain significance. Last evaluated: 2022-07-10. Review status: criteria provided, single submitter. Criteria: Invitae Variant Classification Sherloc (09022015). Collection method: clinical testing. Allele origin: germline.
Comment: In summary, the available evidence is currently insufficient to determine the role of this variant in disease. Therefore, it has been classified as a Variant of Uncertain Significance. This sequence change replaces alanine, which is neutral and non-polar, with valine, which is neutral and non-polar, at codon 428 of the SEPT9 protein (p.Ala428Val). The frequency data for this variant in the population databases is considered unreliable, as metrics indicate poor data quality at this position in the gnomAD database. This variant has not been reported in the literature in individuals affected with SEPT9-related conditions. ClinVar contains an entry for this variant (Variation ID: 1682661). Algorithms developed to predict the effect of missense changes on protein structure and function are either unavailable or do not agree on the potential impact of this missense change (SIFT: "Deleterious"; PolyPhen-2: "Benign"; Align-GVGD: "Class C0"). Algorithms developed to predict the effect of sequence changes on RNA splicing suggest that this variant may create or strengthen a splice site.